The following is an entry in ClinVar:

NM_001148.6(ANK2):c.10342A>T (p.Ser3448Cys)

Gene: ANK2 (ankyrin 2; plus strand). Cytogenetic location: 4q26.
Variant type: single nucleotide variant.
Coding change: c.10342A>T on transcript NM_001148.6 (MANE Select); coding-DNA position 10342, A replaced by T.
Protein change: p.Ser3448Cys; replaces serine 3448 with cysteine.
Molecular consequence: missense variant. On other transcripts: intron variant (68).
Genome position (GRCh38, 1-based): chr4:113,358,960, A>T. VCF-style: chr4-113358960-A-T. GRCh37 (hg19) VCF-style: chr4-114280116-A-T.
Other names: c.4208-1863A>T (NM_001386153.1, NM_001386146.1, NM_001386150.1 and 1 more transcripts); c.4193-1863A>T (NM_001354274.2, NM_001386154.1); c.4142-1863A>T (NM_001386151.1, NM_001354260.2, NM_001354271.2); c.4043-1863A>T (NM_001386157.1, NM_001354277.2); c.4361-1863A>T (NM_001386161.1, NM_001354244.2, NM_001354256.2); c.4286-1863A>T (NM_001354261.2); c.4166-1863A>T (NM_001386156.1, NM_001354257.2); c.4262-1863A>T (NM_001354264.2); and 35 more; short protein forms S2248C, S3370C, S3448C, S3487C, S3495C.
Identifiers: ClinVar variation 1059474 (VCV001059474.7), dbSNP rs1385620748, ClinGen allele CA357940205.

ClinVar aggregate classification (germline): Conflicting classifications of pathogenicity. Review status: criteria provided, conflicting classifications (1 of 4 stars). 2 submissions from 2 submitters: Uncertain significance (1); Likely benign (1). Last evaluated 2020-10-02.

Conditions:
Cardiovascular phenotype. Identifiers: MedGen CN230736.
Long QT syndrome (LQTS). Identifiers: MedGen C0023976, MeSH D008133, MONDO:0002442. Disease mechanism: loss of function. Inheritance: Various modes of inheritance.

Allele frequency attached by ClinVar (database versions not stated): gnomAD 0.00001.
gnomAD v4.1: 1 of 1,613,972 alleles (0.000062%); highest among the groups gnomAD compares: African/African-American, 0.0013%; no homozygotes.

Submissions (2):

Ambry Genetics
Classification: Likely benign for Cardiovascular phenotype. Last evaluated: 2020-10-02. Review status: criteria provided, single submitter. Criteria: Ambry Variant Classification Scheme 2023. Collection method: clinical testing. Allele origin: germline.

Labcorp Genetics (formerly Invitae), Labcorp
Classification: Uncertain significance for Long QT syndrome. Last evaluated: 2020-09-08. Review status: criteria provided, single submitter. Criteria: Invitae Variant Classification Sherloc (09022015). Collection method: clinical testing. Allele origin: germline.
Comment: Algorithms developed to predict the effect of missense changes on protein structure and function are either unavailable or do not agree on the potential impact of this missense change (SIFT: "Deleterious"; PolyPhen-2: "Probably Damaging"; Align-GVGD: "Class C0"). In summary, the available evidence is currently insufficient to determine the role of this variant in disease. Therefore, it has been classified as a Variant of Uncertain Significance. This variant has not been reported in the literature in individuals with ANK2-related conditions. This variant is not present in population databases (ExAC no frequency). This sequence change replaces serine with cysteine at codon 3448 of the ANK2 protein (p.Ser3448Cys). The serine residue is weakly conserved and there is a moderate physicochemical difference between serine and cysteine.